The following is an entry in ClinVar:

ClinVar aggregate classification (germline): Pathogenic (1 of 4 stars; one submission).

Conditions:
Rienhoff syndrome. Also called: LOEYS-DIETZ SYNDROME 5. Identifiers: MedGen C3810012, MONDO:0014262, OMIM 615582.

Submission:

Labcorp Genetics (formerly Invitae), Labcorp
Classification: Pathogenic for Rienhoff syndrome. Last evaluated: 2023-03-27. Review status: criteria provided, single submitter. Criteria: Invitae Variant Classification Sherloc (09022015). Collection method: clinical testing. Allele origin: unknown.
Comment: This variant has not been reported in the literature in individuals affected with TGFB3-related conditions. For these reasons, this variant has been classified as Pathogenic. This variant disrupts a region of the TGFB3 protein in which other variant(s) (p.Cys409Tyr) have been determined to be pathogenic (PMID: 23824657). This suggests that this is a clinically significant region of the protein, and that variants that disrupt it are likely to be disease-causing. This variant is a gross deletion of the genomic region encompassing exon(s) 6-7 of the TGFB3 gene, which includes the termination codon. This deletion extends beyond the assayed region for this gene and therefore may encompass additional genes. While this deletion is not anticipated to lead to nonsense mediated decay, it is expected to alter mRNA translation or result in a truncated protein product.

Literature cited by the submitters: PubMed 23824657.

NC_000014.8:g.(?_76425530)_(76427439_?)del

Gene: TGFB3 (transforming growth factor beta 3; minus strand). Cytogenetic location: 14q24.3.
Variant type: Deletion.
Identifiers: ClinVar variation 3244032 (VCV003244032.1).